The following is an entry in ClinVar:

NM_004369.4(COL6A3):c.373A>T (p.Ile125Leu)

Gene: COL6A3 (collagen type VI alpha 3 chain; minus strand). Cytogenetic location: 2q37.3.
Variant type: single nucleotide variant.
Coding change: c.373A>T on transcript NM_004369.4 (MANE Select); coding-DNA position 373, A replaced by T.
Protein change: p.Ile125Leu; replaces isoleucine 125 with leucine.
Molecular consequence: missense variant. On other transcripts: intron variant (4).
Genome position (GRCh38, 1-based): chr2:237,394,923, T>A on the plus strand (A>T on the coding strand, the complement: COL6A3 is on the minus strand). VCF-style: chr2-237394923-T-A. GRCh37 (hg19) VCF-style: chr2-238303566-T-A.
Other names: c.91+1804A>T (NM_057166.5, NM_057167.4, NM_057164.5 and 1 more transcripts); short protein forms I125L.
Identifiers: ClinVar variation 1423695 (VCV001423695.6), dbSNP rs368077444, ClinGen allele CA2189879.
Genomic context (GRCh38, chr2:237,394,923, plus strand): 5'-CCTGAGGGACTCCGTCACCGGCCCGGCTTCCAGCAGCCTTGGTGAGGTGGCTTTGCATTA[T>A]GTATTCTAATCCTTTTCCAGTCTGATTGGTTCCCCCAATATAAGACATGTTGGAAATATG-3'
Protein context (NP_004360.2, residues 115-135): TNQTGKGLEY[Ile125Leu]MQSHLTKAAG

ClinVar aggregate classification (germline): Uncertain significance (1 of 4 stars; one submission).

Conditions:
Bethlem myopathy 1A. Also called: MYOPATHY, BENIGN CONGENITAL, WITH CONTRACTURES; Bethlem Muscular Dystrophy; Bethlem myopathy 1. Identifiers: Orphanet 610, MedGen CN029274, MONDO:0024530, OMIM 158810.

Allele frequency attached by ClinVar (database versions not stated): ESP Exome Variant Server 0.00008.
gnomAD v4.1: 1 of 1,613,416 alleles (0.000062%); highest among the groups gnomAD compares: Non-Finnish European, 0.000085%; no homozygotes.

Submission:

Labcorp Genetics (formerly Invitae), Labcorp
Classification: Uncertain significance for Bethlem myopathy 1A. Last evaluated: 2022-08-07. Review status: criteria provided, single submitter. Criteria: Invitae Variant Classification Sherloc (09022015). Collection method: clinical testing. Allele origin: germline.
Comment: In summary, the available evidence is currently insufficient to determine the role of this variant in disease. Therefore, it has been classified as a Variant of Uncertain Significance. Advanced modeling of protein sequence and biophysical properties (such as structural, functional, and spatial information, amino acid conservation, physicochemical variation, residue mobility, and thermodynamic stability) performed at Invitae indicates that this missense variant is not expected to disrupt COL6A3 protein function. ClinVar contains an entry for this variant (Variation ID: 1423695). This variant has not been reported in the literature in individuals affected with COL6A3-related conditions. This variant is present in population databases (rs368077444, gnomAD 0.0009%). This sequence change replaces isoleucine, which is neutral and non-polar, with leucine, which is neutral and non-polar, at codon 125 of the COL6A3 protein (p.Ile125Leu).